The following is an entry in ClinVar:

NM_004656.4(BAP1):c.1637A>G (p.Tyr546Cys)

Gene: BAP1 (BRCA1 associated deubiquitinase 1; minus strand). Cytogenetic location: 3p21.1.
Variant type: single nucleotide variant.
Coding change: c.1637A>G on transcript NM_004656.4 (MANE Select); coding-DNA position 1637, A replaced by G.
Protein change: p.Tyr546Cys; replaces tyrosine 546 with cysteine.
Molecular consequence: missense variant.
Genome position (GRCh38, 1-based): chr3:52,403,508, T>C on the plus strand (A>G on the coding strand, the complement: BAP1 is on the minus strand). VCF-style: chr3-52403508-T-C. GRCh37 (hg19) VCF-style: chr3-52437524-T-C.
Other names: c.1583A>G, p.Tyr528Cys (NM_001410772.1); short protein forms Y546C, Y528C.
Identifiers: ClinVar variation 3476447 (VCV003476447.1).

ClinVar aggregate classification (germline): Uncertain significance (1 of 4 stars; one submission).

Conditions:
Hereditary cancer-predisposing syndrome. Also called: Tumor predisposition; Neoplastic Syndromes, Hereditary; Hereditary neoplastic syndrome; Hereditary Cancer Syndrome. Identifiers: Orphanet 140162, MedGen C0027672, MeSH D009386, MONDO:0015356.

Submission:

Ambry Genetics
Classification: Uncertain significance for Hereditary cancer-predisposing syndrome. Last evaluated: 2024-10-29. Review status: criteria provided, single submitter. Criteria: Ambry Variant Classification Scheme 2023. Collection method: clinical testing. Allele origin: germline.
Comment: The p.Y546C variant (also known as c.1637A>G), located in coding exon 13 of the BAP1 gene, results from an A to G substitution at nucleotide position 1637. The tyrosine at codon 546 is replaced by cysteine, an amino acid with highly dissimilar properties. This amino acid position is conserved. In addition, this alteration is predicted to be deleterious by in silico analysis. Based on the available evidence, the clinical significance of this variant remains unclear.